The following is an entry in ClinVar:

ClinVar aggregate classification (germline): Likely pathogenic. Review status: criteria provided, multiple submitters, no conflicts (2 of 4 stars). 2 submissions from 2 submitters: Likely pathogenic (2). Last evaluated 2024-03-25.

Conditions:
EXT1-related disorder. Also called: EXT1-related condition.
Exostoses, multiple, type 1 (EXT1). Also called: Hereditary Multiple Osteochondromatosis, Type I; EXOSTOSES, MULTIPLE, TYPE I. Identifiers: MedGen CN263289, MONDO:0007585, OMIM 133700.

Submissions (2):

Genomic Medicine Center of Excellence, King Faisal Specialist Hospital and Research Centre
Classification: Likely pathogenic for Exostoses, multiple, type 1. Last evaluated: 2024-03-25. Review status: criteria provided, single submitter. Criteria: ACMG Guidelines, 2015. Collection method: clinical testing. Allele origin: germline.

PreventionGenetics, part of Exact Sciences
Classification: Likely pathogenic for EXT1-related condition. Last evaluated: 2023-10-06. Review status: criteria provided, single submitter. Criteria: ACMG Guidelines, 2015. Collection method: clinical testing. Allele origin: germline.
Comment: The EXT1 c.301G>T variant is predicted to result in premature protein termination (p.Glu101*). To our knowledge, this variant has not been reported in the literature or in a large population database, indicating this variant is rare. A similar loss of function variant (c.301del, p.Glu101Serfs∗35) has been reported in individuals with hereditary multiple osteochondromas (Table 1, Fusco et al. 2019. PubMed ID: 30806661). Nonsense variants in EXT1 are expected to be pathogenic. This variant is interpreted as likely pathogenic.

NM_000127.3(EXT1):c.301G>T (p.Glu101Ter)

Gene: EXT1 (exostosin glycosyltransferase 1; minus strand). Cytogenetic location: 8q24.11.
Variant type: single nucleotide variant.
Coding change: c.301G>T on transcript NM_000127.3 (MANE Select); coding-DNA position 301, G replaced by T.
Protein change: p.Glu101Ter; replaces glutamic acid 101 with a stop codon.
Molecular consequence: nonsense.
Genome position (GRCh38, 1-based): chr8:118,110,746, C>A on the plus strand (G>T on the coding strand, the complement: EXT1 is on the minus strand). VCF-style: chr8-118110746-C-A. GRCh37 (hg19) VCF-style: chr8-119122985-C-A.
Other names: short protein forms E101*.
Identifiers: ClinVar variation 2633928 (VCV002633928.2), dbSNP rs1350817754, ClinGen allele CA371916160.
Genomic context (GRCh38, chr8:118,110,746, plus strand): 5'-GTGGGTATACGTAGACTTTGAAGCCGTTTTTCTTGCAAAGGGTGAAATCGAAGCAGGACT[C>A]CATGCGGCACTTCTTGCCTTTGTAGATGCTGGAGTTGGCATCTCGCTTCTGCCGGGGGGA-3'